The following is an entry in ClinVar:

NM_001330078.2(NRXN1):c.2268G>A (p.Met756Ile)

Gene: NRXN1 (neurexin 1; minus strand). Cytogenetic location: 2p16.3.
Variant type: single nucleotide variant.
Coding change: c.2268G>A on transcript NM_001330078.2 (MANE Select); coding-DNA position 2268, G replaced by A.
Protein change: p.Met756Ile; replaces methionine 756 with isoleucine.
Molecular consequence: missense variant.
Genome position (GRCh38, 1-based): chr2:50,531,306, C>T on the plus strand (G>A on the coding strand, the complement: NRXN1 is on the minus strand). VCF-style: chr2-50531306-C-T. GRCh37 (hg19) VCF-style: chr2-50758444-C-T.
Other names: c.2388G>A, p.Met796Ile (NM_001135659.3); c.2244G>A, p.Met748Ile (NM_001330077.2, NM_001330082.2, NM_001330095.2); c.2229G>A, p.Met743Ile (NM_001330083.2, NM_001330084.2); c.2268G>A, p.Met756Ile (NM_001330085.2, NM_001330086.2, NM_004801.6); c.2184G>A, p.Met728Ile (NM_001330087.2, NM_001330096.2); c.2214G>A, p.Met738Ile (NM_001330088.2); c.2265G>A, p.Met755Ile (NM_001330093.2); c.2256G>A, p.Met752Ile (NM_001330094.2); short protein forms M755I, M756I, M743I, M748I, M752I, M728I, M738I, M796I.
Identifiers: ClinVar variation 649738 (VCV000649738.9), dbSNP rs201741425, ClinGen allele CA1654881.
Genomic context (GRCh38, chr2:50,531,306, plus strand): 5'-CACACGTCCTGCGTCTAGCTCCAGGCGGAGGGTGTCAGCAGAGTCTCTAGAAGTGGTTGC[C>T]ATCAGAATGCCATATGCACGCTGGGATCGGAACCGTAAGGAAACATCCTCAGCCTCCGTA-3'
Protein context (NP_001317007.1, residues 746-766): FRSQRAYGIL[Met756Ile]ATTSRDSADT

ClinVar aggregate classification (germline): Uncertain significance. Review status: criteria provided, multiple submitters, no conflicts (2 of 4 stars). 2 submissions from 2 submitters: Uncertain significance (2). Last evaluated 2024-05-15.

Conditions:
Pitt-Hopkins-like syndrome 2 (PTHSL2). Identifiers: Orphanet 221150, Orphanet 600663, MedGen C3280479, MONDO:0013690, OMIM 614325.

Allele frequency attached by ClinVar (database versions not stated): gnomAD below 0.00001 and 0.00002; TOPMed below 0.00001; gnomAD exomes 0.00005 and 0.00008; ExAC 0.00010.
gnomAD v4.1: 69 of 1,613,474 alleles (0.0043%); highest among the groups gnomAD compares: South Asian, 0.075%; no homozygotes.

Submissions (2):

Labcorp Genetics (formerly Invitae), Labcorp
Classification: Uncertain significance for Pitt-Hopkins-like syndrome 2. Last evaluated: 2024-05-15. Review status: criteria provided, single submitter. Criteria: Invitae Variant Classification Sherloc (09022015). Collection method: clinical testing. Allele origin: germline.
Comment: This sequence change replaces methionine, which is neutral and non-polar, with isoleucine, which is neutral and non-polar, at codon 796 of the NRXN1 protein (p.Met796Ile). This variant is present in population databases (rs201741425, gnomAD 0.07%). This variant has not been reported in the literature in individuals affected with NRXN1-related conditions. ClinVar contains an entry for this variant (Variation ID: 649738). An algorithm developed to predict the effect of missense changes on protein structure and function (PolyPhen-2) suggests that this variant is likely to be tolerated. In summary, the available evidence is currently insufficient to determine the role of this variant in disease. Therefore, it has been classified as a Variant of Uncertain Significance.

Blueprint Genetics
Classification: Uncertain significance. Last evaluated: 2018-10-03. Review status: criteria provided, single submitter. Criteria: ACMG Guidelines, 2015. Collection method: clinical testing. Allele origin: germline.